The following is an entry in ClinVar:

ClinVar aggregate classification (germline): Uncertain significance (1 of 4 stars; one submission).

Submission:

GeneDx
Classification: Uncertain significance. Last evaluated: 2023-11-20. Review status: criteria provided, single submitter. Criteria: GeneDx Variant Classification Process June 2021. Collection method: clinical testing. Allele origin: germline. Affected: yes.
Comment: Not observed at significant frequency in large population cohorts (gnomAD); In silico analysis supports that this missense variant has a deleterious effect on protein structure/function; Has not been previously published as pathogenic or benign to our knowledge

NM_002471.4(MYH6):c.3985A>C (p.Asn1329His)

Gene: MYH6 (myosin heavy chain 6; minus strand). Cytogenetic location: 14q11.2.
Variant type: single nucleotide variant.
Coding change: c.3985A>C on transcript NM_002471.4 (MANE Select); coding-DNA position 3985, A replaced by C.
Protein change: p.Asn1329His; replaces asparagine 1329 with histidine.
Molecular consequence: missense variant.
Genome position (GRCh38, 1-based): chr14:23,389,049, T>G on the plus strand (A>C on the coding strand, the complement: MYH6 is on the minus strand). VCF-style: chr14-23389049-T-G. GRCh37 (hg19) VCF-style: chr14-23858258-T-G.
Other names: short protein forms N1329H.
Identifiers: ClinVar variation 3252430 (VCV003252430.1), dbSNP rs2502153905.
Genomic context (GRCh38, chr14:23,389,049, plus strand): 5'-ACTGCTCCCGCAGCAGGTCGCAGTCATGCCGGGCCGACTGCAGTGCATGGGCCAGGGCGT[T>G]CTTCGCCTGGGGAGGGGGGGGGGCACCAGGAGGTGGGAGGGACTCCCTGTGCCCCATTCT-3'
Protein context (NP_002462.2, residues 1319-1339): RQLEEEGKAK[Asn1329His]ALAHALQSAR